The following is an entry in ClinVar:

NM_001972.4(ELANE):c.187A>T (p.Asn63Tyr)

Gene: ELANE (elastase, neutrophil expressed; plus strand). Cytogenetic location: 19p13.3.
Variant type: single nucleotide variant.
Coding change: c.187A>T on transcript NM_001972.4 (MANE Select); coding-DNA position 187, A replaced by T.
Protein change: p.Asn63Tyr; replaces asparagine 63 with tyrosine.
Molecular consequence: missense variant.
Genome position (GRCh38, 1-based): chr19:852,995, A>T. VCF-style: chr19-852995-A-T. GRCh37 (hg19) VCF-style: chr19-852995-A-T.
Other names: short protein forms N63Y.
Identifiers: ClinVar variation 4248056 (VCV004248056.1).

ClinVar aggregate classification (germline): Uncertain significance (1 of 4 stars; one submission).

Conditions:
Inborn genetic diseases. Identifiers: MedGen C0950123, MeSH D030342.

gnomAD v4.1: 1 of 1,579,148 alleles (0.000063%); highest among the groups gnomAD compares: Non-Finnish European, 0.000085%; no homozygotes.

Submission:

Ambry Genetics
Classification: Uncertain significance for Inborn genetic diseases. Last evaluated: 2025-06-22. Review status: criteria provided, single submitter. Criteria: Ambry Variant Classification Scheme 2023. Collection method: clinical testing. Allele origin: germline.
Comment: The p.N63Y variant (also known as c.187A>T), located in coding exon 2 of the ELANE gene, results from an A to T substitution at nucleotide position 187. The asparagine at codon 63 is replaced by tyrosine, an amino acid with dissimilar properties. This amino acid position is conserved. In addition, the in silico prediction for this alteration is inconclusive. Based on the available evidence, the clinical significance of this variant remains unclear.